The following is an entry in ClinVar:

ClinVar aggregate classification (germline): Uncertain significance (1 of 4 stars; one submission).

Conditions:
Cardiovascular phenotype. Identifiers: MedGen CN230736.

Submission:

Ambry Genetics
Classification: Uncertain significance for Cardiovascular phenotype. Last evaluated: 2026-09-08. Review status: criteria provided, single submitter. Criteria: Ambry Variant Classification Scheme 2023. Collection method: clinical testing. Allele origin: germline.
Comment: The p.L116V variant (also known as c.346C>G), located in coding exon 3 of the ENG gene, results from a C to G substitution at nucleotide position 346. The leucine at codon 116 is replaced by valine, an amino acid with highly similar properties. This amino acid position is conserved. In addition, this alteration is predicted to be tolerated by in silico analysis. Based on the available evidence, the clinical significance of this variant remains unclear.

NM_001114753.3(ENG):c.346C>G (p.Leu116Val)

Gene: ENG (endoglin; minus strand). Cytogenetic location: 9q34.11.
Variant type: single nucleotide variant.
Coding change: c.346C>G on transcript NM_001114753.3 (MANE Select); coding-DNA position 346, C replaced by G.
Protein change: p.Leu116Val; replaces leucine 116 with valine.
Molecular consequence: missense variant. On other transcripts: 5 prime UTR variant (1).
Genome position (GRCh38, 1-based): chr9:127,829,701, G>C on the plus strand (C>G on the coding strand, the complement: ENG is on the minus strand). VCF-style: chr9-127829701-G-C. GRCh37 (hg19) VCF-style: chr9-130591980-G-C.
Other names: c.346C>G, p.Leu116Val (NM_000118.4, NM_001406715.1); c.-201C>G (NM_001278138.2); short protein forms L116V.
Identifiers: ClinVar variation 5035999 (VCV005035999.1).